The following is an entry in ClinVar:

NM_000412.5(HRG):c.227C>T (p.Ser76Leu)

Genes: HRG (histidine rich glycoprotein; plus strand), LOC126806897 (BRD4-independent group 4 enhancer GRCh37_chr3:186386725-186387924; plus strand). Cytogenetic location: 3q27.3.
Variant type: single nucleotide variant.
Coding change: c.227C>T on transcript NM_000412.5 (MANE Select); coding-DNA position 227, C replaced by T.
Protein change: p.Ser76Leu; replaces serine 76 with leucine.
Molecular consequence: missense variant.
Genome position (GRCh38, 1-based): chr3:186,668,978, C>T. VCF-style: chr3-186668978-C-T. GRCh37 (hg19) VCF-style: chr3-186386767-C-T.
Other names: short protein forms S76L.
Identifiers: ClinVar variation 3064475 (VCV003064475.19), dbSNP rs1455246341, ClinGen allele CA355735292.

ClinVar aggregate classification (germline): Uncertain significance. Review status: criteria provided, multiple submitters, no conflicts (2 of 4 stars). 2 submissions from 2 submitters: Uncertain significance (2). Last evaluated 2024-07-01.

Conditions:
Hereditary thrombophilia due to congenital histidine-rich (poly-L) glycoprotein deficiency. Also called: THROMBOPHILIA DUE TO HISTIDINE-RICH GLYCOPROTEIN DEFICIENCY; Thrombophilia due to HRG deficiency. Identifiers: Orphanet 217467, MedGen C2751090, MONDO:0013143, OMIM 613116.

Allele frequency attached by ClinVar (database versions not stated): TOPMed below 0.00001; gnomAD 0.00001; gnomAD exomes 0.00002.
gnomAD v4.1: 22 of 1,611,978 alleles (0.0014%); highest among the groups gnomAD compares: Middle Eastern, 0.033%; 2 homozygotes.

Submissions (2):

CeGaT Center for Human Genetics Tuebingen
Classification: Uncertain significance. Last evaluated: 2024-07-01. Review status: criteria provided, single submitter. Criteria: CeGaT Center For Human Genetics Tuebingen Variant Classification Criteria Version 2. Collection method: clinical testing. Allele origin: germline. Affected: yes. Observed: 1 variant allele.
Comment: HRG: PS2:Moderate, PM2:Supporting, BP4

Genomic Medicine Center of Excellence, King Faisal Specialist Hospital and Research Centre
Classification: Uncertain significance for Hereditary thrombophilia due to congenital histidine-rich (poly-L) glycoprotein deficiency. Last evaluated: 2024-03-25. Review status: criteria provided, single submitter. Criteria: ACMG Guidelines, 2015. Collection method: research. Allele origin: germline.